The following is an entry in ClinVar:

ClinVar aggregate classification (germline): Pathogenic/Likely pathogenic. Review status: criteria provided, multiple submitters, no conflicts (2 of 4 stars). 6 submissions from 6 submitters: Pathogenic (3); Likely pathogenic (3). Last evaluated 2025-02-18.

Conditions:
Peroxisome biogenesis disorder 5A (Zellweger) (PBD5A). Identifiers: Orphanet 912, MedGen C3553940, MONDO:0013932, OMIM 614866.
Inborn genetic diseases. Identifiers: MedGen C0950123, MeSH D030342.

Allele frequency attached by ClinVar (database versions not stated): gnomAD exomes below 0.00001; TOPMed below 0.00001; gnomAD 0.00001.

Submissions (6):

Labcorp Genetics (formerly Invitae), Labcorp
Classification: Pathogenic for Peroxisome biogenesis disorder 5A (Zellweger). Last evaluated: 2025-02-18. Review status: criteria provided, single submitter. Criteria: Invitae Variant Classification Sherloc (09022015). Collection method: clinical testing. Allele origin: germline.
Comment: This sequence change creates a premature translational stop signal (p.Pro209Thrfs*24) in the PEX2 gene. While this is not anticipated to result in nonsense mediated decay, it is expected to disrupt the last 97 amino acid(s) of the PEX2 protein. This variant is present in population databases (no rsID available, gnomAD 0.01%). This variant has not been reported in the literature in individuals affected with PEX2-related conditions. ClinVar contains an entry for this variant (Variation ID: 504137). This variant disrupts a region of the PEX2 protein in which other variant(s) (p.Lys215Serfs*2) have been determined to be pathogenic (PMID: 10652207). This suggests that this is a clinically significant region of the protein, and that variants that disrupt it are likely to be disease-causing. For these reasons, this variant has been classified as Pathogenic.

Baylor Genetics
Classification: Likely pathogenic for Peroxisome biogenesis disorder 5A (Zellweger). Last evaluated: 2024-02-13. Review status: criteria provided, single submitter. Criteria: ACMG Guidelines, 2015. Collection method: clinical testing. Allele origin: unknown.

Ambry Genetics
Classification: Pathogenic for Inborn genetic diseases. Last evaluated: 2021-09-01. Review status: criteria provided, single submitter. Criteria: Ambry Variant Classification Scheme 2023. Collection method: clinical testing. Allele origin: germline.
Comment: The c.624dupA (p.P209Tfs*24) alteration, located in exon 4 (coding exon 1) of the PEX2 gene, consists of a duplication of 1 nucleotide at position 624, causing a translational frameshift with a predicted alternate stop codon after 24 amino acids. This alteration occurs at the 3' terminus of the PEX2 gene, is not expected to trigger nonsense-mediated mRNA decay, and impacts the last 32% of the protein. Premature stop codons are typically deleterious in nature and the impacted region is critical for protein function (Ambry internal data). Based on data from gnomAD, this allele has an overall frequency of <0.01% (1/31384) total alleles studied. Based on the available evidence, this alteration is classified as pathogenic.

Revvity Omics, Revvity
Classification: Likely pathogenic. Last evaluated: 2020-11-19. Review status: criteria provided, single submitter. Criteria: ACMG Guidelines, 2015. Collection method: clinical testing. Allele origin: germline.

GeneDx
Classification: Likely pathogenic. Last evaluated: 2018-01-16. Review status: criteria provided, single submitter. Criteria: GeneDx Variant Classification (06012015). Collection method: clinical testing. Allele origin: germline. Affected: yes.
Comment: The c.624dupA variant in the PEX2 gene has not been reported previously as a pathogenic variant nor as a benign variant, to our knowledge. The c.624dupA variant causes a frameshift starting with codon Proline 209, changes this amino acid to a Threonine residue, and creates a premature Stop codon at position 24 of the new reading frame, denoted p.Pro209ThrfsX24. This variant is predicted to cause loss of normal protein function through protein truncation. The c.624dupA variant is not observed at a significant frequency in large population cohorts (Lek et al., 2016). We interpret c.624dupA as a likely pathogenic variant.

Eurofins Ntd Llc (ga)
Classification: Pathogenic. Last evaluated: 2018-01-03. Review status: criteria provided, single submitter. Criteria: EGL Classification Definitions 2015. Collection method: clinical testing. Allele origin: germline. Observed: 1 variant allele, 1 heterozygote.

Literature cited by the submitters: PubMed 10652207 (cited by Labcorp Genetics (formerly Invitae), Labcorp).

NM_000318.3(PEX2):c.624dup (p.Pro209fs)

Gene: PEX2 (peroxisomal biogenesis factor 2; minus strand). Cytogenetic location: 8q21.13.
Variant type: Duplication.
Coding change: c.624dup on transcript NM_000318.3 (MANE Select); coding-DNA position 624, one base duplicated (A; older notation c.624dupA).
Protein change: p.Pro209fs; shifts the reading frame from proline 209.
Molecular consequence: frameshift variant.
Genome position (GRCh38, 1-based): chr8:76,983,555, T duplicated on the plus strand (A on the coding strand, the reverse complement: PEX2 is on the minus strand). VCF-style (leftmost placement, unchanged base first): chr8-76983554-G-GT. GRCh37 (hg19) VCF-style: chr8-77895790-G-GT.
Other names: c.624dup, p.Pro209fs (NM_001079867.2, NM_001172086.2, NM_001172087.2); c.624dupA (NM_000318.2); short protein forms P209fs.
Identifiers: ClinVar variation 504137 (VCV000504137.14), dbSNP rs1438831421, ClinGen allele CA583367320.